The following is an entry in ClinVar:

NM_174878.3(CLRN1):c.406G>A (p.Gly136Arg)

Gene: CLRN1 (clarin 1; minus strand). Cytogenetic location: 3q25.1.
Variant type: single nucleotide variant.
Coding change: c.406G>A on transcript NM_174878.3 (MANE Select); coding-DNA position 406, G replaced by A.
Protein change: p.Gly136Arg; replaces glycine 136 with arginine.
Molecular consequence: missense variant. On other transcripts: 3 prime UTR variant (1), non-coding transcript variant (1).
Genome position (GRCh38, 1-based): chr3:150,941,609, C>T on the plus strand (G>A on the coding strand, the complement: CLRN1 is on the minus strand). VCF-style: chr3-150941609-C-T. GRCh37 (hg19) VCF-style: chr3-150659396-C-T.
Other names: c.406G>A, p.Gly136Arg (NM_001195794.1); c.*20G>A (NM_001256819.2); c.178G>A, p.Gly60Arg (NM_052995.2); short protein forms G136R, G60R.
Identifiers: ClinVar variation 991769 (VCV000991769.4), dbSNP rs904836940, ClinGen allele CA85691585.

ClinVar aggregate classification (germline): Uncertain significance. Review status: criteria provided, multiple submitters, no conflicts (2 of 4 stars). 3 submissions from 3 submitters: Uncertain significance (2). 1 of the submissions does not count toward it. Last evaluated 2022-10-17.

Conditions:
Retinitis pigmentosa (RP). Identifiers: Orphanet 791, MedGen C0035334, MeSH D012174, MONDO:0019200, OMIM 268000. Inheritance: Autosomal dominant, autosomal recessive and X linked inheritance.
Retinitis pigmentosa 61 (RP61). Identifiers: Orphanet 791, MedGen C3280041, MONDO:0013610, OMIM 614180.
Usher syndrome type 3A (USH3A). Also called: USHER SYNDROME, TYPE IIIA. Identifiers: MedGen C5779850, MONDO:0010170, OMIM 276902.

Allele frequency attached by ClinVar (database versions not stated): gnomAD 0.00001; gnomAD exomes 0.00001; TOPMed 0.00001.
gnomAD v4.1: 15 of 1,613,858 alleles (0.00093%); highest among the groups gnomAD compares: African/African-American, 0.0013%; no homozygotes.

Submissions (3):

Labcorp Genetics (formerly Invitae), Labcorp
Classification: Uncertain significance. Last evaluated: 2022-10-17. Review status: criteria provided, single submitter. Criteria: Invitae Variant Classification Sherloc (09022015). Collection method: clinical testing. Allele origin: germline.
Comment: This sequence change replaces glycine, which is neutral and non-polar, with arginine, which is basic and polar, at codon 136 of the CLRN1 protein (p.Gly136Arg). This variant is present in population databases (no rsID available, gnomAD 0.002%). This variant has not been reported in the literature in individuals affected with CLRN1-related conditions. ClinVar contains an entry for this variant (Variation ID: 991769). Algorithms developed to predict the effect of missense changes on protein structure and function (SIFT, PolyPhen-2, Align-GVGD) all suggest that this variant is likely to be disruptive. In summary, the available evidence is currently insufficient to determine the role of this variant in disease. Therefore, it has been classified as a Variant of Uncertain Significance.

Fulgent Genetics
Classification: Uncertain significance for Retinitis pigmentosa; Usher syndrome type 3A; Retinitis pigmentosa 61. Last evaluated: 2022-02-02. Review status: criteria provided, single submitter. Criteria: ACMG Guidelines, 2015. Collection method: clinical testing. Allele origin: unknown.

Natera, Inc.
Classification: Uncertain significance for Usher syndrome type 3A. Last evaluated: 2020-08-14. Review status: no assertion criteria provided. Collection method: clinical testing. Allele origin: germline. Not counted in ClinVar's aggregate classification.